The following is an entry in ClinVar:

ClinVar aggregate classification (germline): Uncertain significance (1 of 4 stars; one submission).

gnomAD v4.1: 1 of 1,608,952 alleles (0.000062%); highest among the groups gnomAD compares: Non-Finnish European, 0.000085%; no homozygotes.

Submission:

Women's Health and Genetics/Laboratory Corporation of America, LabCorp
Classification: Uncertain significance. Last evaluated: 2025-01-29. Review status: criteria provided, single submitter. Criteria: LabCorp Variant Classification Summary - May 2015. Collection method: clinical testing. Allele origin: germline.
Comment: Variant summary: GYS2 c.856A>G (p.Lys286Glu) results in a conservative amino acid change in the encoded protein sequence. Three of five in-silico tools predict a damaging effect of the variant on protein function. The variant allele was found at a frequency of 8e-06 in 251296 control chromosomes. c.856A>G has been reported in the literature as homozygous in individual affected with Glycogen Storage Disorder Due To Hepatic Glycogen Synthase Deficiency (e.g., Spiegel_2007). These data indicate that the variant may be associated with disease. To our knowledge, no experimental evidence demonstrating an impact on protein function has been reported. The following publication has been ascertained in the context of this evaluation (PMID: 18341095). No submitters have cited clinical-significance assessments for this variant to ClinVar. Based on the evidence outlined above, the variant was classified as VUS-possibly pathogenic.

Literature cited by the submitters: PubMed 18341095.

NM_021957.4(GYS2):c.856A>G (p.Lys286Glu)

Gene: GYS2 (glycogen synthase 2; minus strand). Cytogenetic location: 12p12.1.
Variant type: single nucleotide variant.
Coding change: c.856A>G on transcript NM_021957.4 (MANE Select); coding-DNA position 856, A replaced by G.
Protein change: p.Lys286Glu; replaces lysine 286 with glutamic acid.
Molecular consequence: missense variant.
Genome position (GRCh38, 1-based): chr12:21,563,313, T>C on the plus strand (A>G on the coding strand, the complement: GYS2 is on the minus strand). VCF-style: chr12-21563313-T-C. GRCh37 (hg19) VCF-style: chr12-21716247-T-C.
Other names: short protein forms K286E.
Identifiers: ClinVar variation 3769201 (VCV003769201.2).